The following is an entry in ClinVar:

ClinVar aggregate classification (germline): Uncertain significance (1 of 4 stars; one submission).

Conditions:
Pericarditis. Identifiers: MedGen C0031046, MONDO:0005904, HP:0001701.

Submission:

Molecular Genetics, Royal Melbourne Hospital
Classification: Uncertain significance for Pericarditis. Last evaluated: 2023-04-11. Review status: criteria provided, single submitter. Criteria: ACMG Guidelines, 2015. Collection method: clinical testing. Allele origin: germline. Affected: yes.
Comment: This sequence change in MYH7 is predicted to replace isoleucine with valine at codon 1707, p.(Ile1707Val). The isoleucine residue is moderately conserved (100 vertebrates, UCSC), and is located in the myosin tail domain. There is a small physicochemical difference between isoleucine and valine. This variant is absent from the population database gnomAD v2.1 and v3.1. To our knowledge, this variant has not been reported in the relevant scientific literature. Computational evidence predicts a benign effect for the missense substitution (REVEL = 0.27). Based on the classification scheme RMH Modified ACMG/AMP Guidelines v1.6.1, this variant is classified as a VARIANT OF UNCERTAIN SIGNIFICANCE. Following criteria are met: PM2_Supporting, BP4.

NM_000257.4(MYH7):c.5119A>G (p.Ile1707Val)

Genes: MHRT (myosin heavy chain associated RNA transcript; plus strand), MYH7 (myosin heavy chain 7; minus strand), LOC126861897 (BRD4-independent group 4 enhancer GRCh37_chr14:23884455-23885654; plus strand). Cytogenetic location: 14q11.2.
Variant type: single nucleotide variant.
Coding change: c.5119A>G on transcript NM_000257.4 (MANE Select); coding-DNA position 5119, A replaced by G.
Protein change: p.Ile1707Val; replaces isoleucine 1707 with valine.
Molecular consequence: missense variant. On other transcripts: non-coding transcript variant (1).
Genome position (GRCh38, 1-based): chr14:23,415,667, T>C on the plus strand (A>G on the coding strand, the complement: MYH7 is on the minus strand). VCF-style: chr14-23415667-T-C. GRCh37 (hg19) VCF-style: chr14-23884876-T-C.
Other names: c.5119A>G, p.Ile1707Val (NM_001407004.1); short protein forms I1707V.
Identifiers: ClinVar variation 3068593 (VCV003068593.1), dbSNP rs763791649, ClinGen allele CA389036924.
Genomic context (GRCh38, chr14:23,415,667, plus strand): 5'-AATGAGCAGGGGAGCTGCTCACCTGGGAATGCAGCAGCTGCACCCGCTCACTAGTCTCAA[T>C]CAGCTCCTGCTCCGCCAGCTTCCGGGACCGCTCTGTCTGCTCCACCACGGCACGCAACTC-3'
Protein context (NP_000248.2, residues 1697-1717): RSRKLAEQEL[Ile1707Val]ETSERVQLLH